The following is an entry in ClinVar:

ClinVar aggregate classification (germline): Pathogenic (1 of 4 stars; one submission).

Conditions:
Primary ciliary dyskinesia. Also called: Ciliary dyskinesia. Identifiers: Orphanet 244, MedGen C0008780, MONDO:0016575, HP:0012265.

Submission:

Labcorp Genetics (formerly Invitae), Labcorp
Classification: Pathogenic for Primary ciliary dyskinesia. Last evaluated: 2023-04-07. Review status: criteria provided, single submitter. Criteria: Invitae Variant Classification Sherloc (09022015). Collection method: clinical testing. Allele origin: germline.
Comment: For these reasons, this variant has been classified as Pathogenic. This variant has not been reported in the literature in individuals affected with DNAI2-related conditions. This variant is not present in population databases (gnomAD no frequency). This sequence change creates a premature translational stop signal (p.Ala349Leufs*29) in the DNAI2 gene. It is expected to result in an absent or disrupted protein product. Loss-of-function variants in DNAI2 are known to be pathogenic (PMID: 18950741, 23891469).

Literature cited by the submitters: PubMed 18950741; PubMed 23891469.

NM_023036.6(DNAI2):c.1045_1057del (p.Ala349fs)

Gene: DNAI2 (dynein axonemal intermediate chain 2; plus strand). Cytogenetic location: 17q25.1.
Variant type: Deletion.
Coding change: c.1045_1057del on transcript NM_023036.6 (MANE Select); coding-DNA positions 1045 to 1057, 13 bases deleted (GCCAAGACGTCAG).
Protein change: p.Ala349fs; shifts the reading frame from alanine 349.
Molecular consequence: frameshift variant. On other transcripts: non-coding transcript variant (1).
Genome position (GRCh38, 1-based): chr17:74,305,276-74,305,288, GCCAAGACGTCAG deleted; deleting any 13 consecutive bases within chr17:74,305,274-74,305,288 gives the same sequence; the c. name uses the placement nearest the transcript's 3' end. VCF-style (leftmost placement, unchanged base first): chr17-74305273-AAGGCCAAGACGTC-A. GRCh37 (hg19) VCF-style: chr17-72301412-AAGGCCAAGACGTC-A.
Other names: c.1045_1057del, p.Ala349fs (NM_001172810.3, NM_001353167.2); short protein forms A349fs.
Identifiers: ClinVar variation 2853468 (VCV002853468.3), dbSNP rs2509752180, ClinGen allele CA2639675663.